The following is an entry in ClinVar:

ClinVar aggregate classification (germline): Uncertain significance (1 of 4 stars; one submission).

gnomAD v4.1: 58 of 1,613,676 alleles (0.0036%); highest among the groups gnomAD compares: Non-Finnish European, 0.0048%; no homozygotes.

Submission:

GeneDx
Classification: Uncertain significance. Last evaluated: 2024-01-25. Review status: criteria provided, single submitter. Criteria: GeneDx Variant Classification Process June 2021. Collection method: clinical testing. Allele origin: germline. Affected: yes.
Comment: Not observed at significant frequency in large population cohorts (gnomAD); In silico analysis supports that this missense variant has a deleterious effect on protein structure/function; Has not been previously published as pathogenic or benign to our knowledge; Reported using an alternate transcript of the gene

NM_001032283.3(TMPO):c.955A>G (p.Arg319Gly)

Gene: TMPO (thymopoietin; plus strand). Cytogenetic location: 12q23.1.
Variant type: single nucleotide variant.
Coding change: c.955A>G on transcript NM_001032283.3 (MANE Select); coding-DNA position 955, A replaced by G.
Protein change: p.Arg319Gly; replaces arginine 319 with glycine.
Molecular consequence: missense variant. On other transcripts: intron variant (1).
Genome position (GRCh38, 1-based): chr12:98,545,026, A>G. VCF-style: chr12-98545026-A-G. GRCh37 (hg19) VCF-style: chr12-98938804-A-G.
Other names: c.835A>G, p.Arg279Gly (NM_001307975.2); c.664-1333A>G (NM_001032284.3); short protein forms R279G, R319G.
Identifiers: ClinVar variation 3368244 (VCV003368244.1).
Genomic context (GRCh38, chr12:98,545,026, plus strand): 5'-ACTGGAAATTTCAAGCATGCATCTCCTATTCTGCCAATCACTGAATTCTCAGACATACCC[A>G]GAAGAGCACCAAAGAAACCATTGACAAGAGCTGAAGTAAATGAATACAATTTAGATCGAT-3'
Protein context (NP_001027454.1, residues 309-329): LPITEFSDIP[Arg319Gly]RAPKKPLTRA